The following is an entry in ClinVar:

ClinVar aggregate classification (germline): Benign/Likely benign. Review status: criteria provided, multiple submitters, no conflicts (2 of 4 stars). 4 submissions from 4 submitters: Benign (2); Likely benign (1). 1 of the submissions does not count toward it. Last evaluated 2025-11-06.

Conditions:
SEC23IP-related disorder. Also called: SEC23IP-related condition.

Allele frequency attached by ClinVar (database versions not stated): gnomAD 0.00318 and 0.00302; 1000 Genomes Project 30x 0.00375; ESP Exome Variant Server 0.00392; gnomAD exomes 0.00029 and 0.00089; 1000 Genomes Project 0.00399; ExAC 0.00106; TOPMed 0.00332.
gnomAD v4.1: 929 of 1,613,316 alleles (0.058%); highest among the groups gnomAD compares: African/African-American, 1%; 3 homozygotes.

Submissions (4):

Ambry Genetics
Classification: Likely benign. Last evaluated: 2025-11-06. Review status: criteria provided, single submitter. Criteria: Ambry Variant Classification Scheme 2023. Collection method: clinical testing. Allele origin: germline.

Labcorp Genetics (formerly Invitae), Labcorp
Classification: Benign. Last evaluated: 2019-12-31. Review status: criteria provided, single submitter. Criteria: Invitae Variant Classification Sherloc (09022015). Collection method: clinical testing. Allele origin: germline.

Breakthrough Genomics
Classification: Benign. Review status: criteria provided, single submitter. Criteria: ACMG Guidelines, 2015. Collection method: not provided. Allele origin: germline. Inheritance: Unknown mechanism. Affected: yes.

PreventionGenetics, part of Exact Sciences
Classification: Benign for SEC23IP-related condition. Last evaluated: 2019-02-20. Review status: no assertion criteria provided. Collection method: clinical testing. Allele origin: germline. Not counted in ClinVar's aggregate classification.
Comment: This variant is classified as benign based on ACMG/AMP sequence variant interpretation guidelines (Richards et al. 2015 PMID: 25741868, with internal and published modifications).

NM_007190.4(SEC23IP):c.2153C>T (p.Ala718Val)

Gene: SEC23IP (SEC23 interacting protein; plus strand). Cytogenetic location: 10q26.12.
Variant type: single nucleotide variant.
Coding change: c.2153C>T on transcript NM_007190.4 (MANE Select); coding-DNA position 2153, C replaced by T.
Protein change: p.Ala718Val; replaces alanine 718 with valine.
Molecular consequence: missense variant. On other transcripts: non-coding transcript variant (1).
Genome position (GRCh38, 1-based): chr10:119,926,067, C>T. VCF-style: chr10-119926067-C-T. GRCh37 (hg19) VCF-style: chr10-121685579-C-T.
Other names: short protein forms A718V.
Identifiers: ClinVar variation 732120 (VCV000732120.8), dbSNP rs150192084, ClinGen allele CA5718768.